The following is an entry in ClinVar:

ClinVar aggregate classification (germline): Conflicting classifications of pathogenicity. Review status: criteria provided, conflicting classifications (1 of 4 stars). 3 submissions from 3 submitters: Uncertain significance (2); Likely benign (1). Last evaluated 2025-08-03.

Conditions:
Hereditary breast ovarian cancer syndrome. Also called: Hereditary breast and ovarian cancer; Hereditary breast and ovarian cancer syndrome; Breast and ovarian cancer; BRCA1- and BRCA2-Associated Hereditary Breast and Ovarian Cancer; Hereditary breast and/or ovarian cancer syndrome; Hereditary breast and ovarian cancer syndrome (HBOC). Identifiers: Orphanet 145, MedGen C0677776, MeSH D061325, MONDO:0003582. Disease mechanism: loss of function.
Wilms tumor 1 (WT1). Also called: Wilms tumor, somatic. Identifiers: Orphanet 654, MedGen CN033288, MONDO:0008679, OMIM 194070.
Hereditary cancer-predisposing syndrome. Also called: Neoplastic Syndromes, Hereditary; Hereditary Cancer Syndrome; Tumor predisposition; Hereditary neoplastic syndrome. Identifiers: Orphanet 140162, MedGen C0027672, MeSH D009386, MONDO:0015356.

Submissions (3):

Labcorp Genetics (formerly Invitae), Labcorp
Classification: Uncertain significance for Hereditary breast ovarian cancer syndrome. Last evaluated: 2025-08-03. Review status: criteria provided, single submitter. Criteria: Invitae Variant Classification Sherloc (09022015). Collection method: clinical testing. Allele origin: germline.
Comment: This sequence change replaces glutamic acid, which is acidic and polar, with lysine, which is basic and polar, at codon 3316 of the BRCA2 protein (p.Glu3316Lys). This variant is not present in population databases (gnomAD no frequency). This variant has not been reported in the literature in individuals affected with BRCA2-related conditions. ClinVar contains an entry for this variant (Variation ID: 998342). Invitae Evidence Modeling of protein sequence and biophysical properties (such as structural, functional, and spatial information, amino acid conservation, physicochemical variation, residue mobility, and thermodynamic stability) indicates that this missense variant is not expected to disrupt BRCA2 protein function with a negative predictive value of 95%. In summary, the available evidence is currently insufficient to determine the role of this variant in disease. Therefore, it has been classified as a Variant of Uncertain Significance.

Ambry Genetics
Classification: Likely benign for Hereditary cancer-predisposing syndrome. Last evaluated: 2024-11-10. Review status: criteria provided, single submitter. Criteria: Ambry Variant Classification Scheme 2023. Collection method: clinical testing. Allele origin: germline.

Baylor Genetics
Classification: Uncertain significance for Wilms tumor 1. Last evaluated: 2020-08-27. Review status: criteria provided, single submitter. Criteria: ACMG Guidelines, 2015. Collection method: clinical testing. Allele origin: unknown. Affected: yes. Study: CSER-TexasKidsCanSeq.
Comment: This variant was determined to be of uncertain significance according to ACMG Guidelines, 2015 [PMID:25741868].

NM_000059.4(BRCA2):c.9946G>A (p.Glu3316Lys)

Gene: BRCA2 (BRCA2 DNA repair associated; plus strand). Cytogenetic location: 13q13.1.
Variant type: single nucleotide variant.
Coding change: c.9946G>A on transcript NM_000059.4 (MANE Select); coding-DNA position 9946, G replaced by A.
Protein change: p.Glu3316Lys; replaces glutamic acid 3316 with lysine.
Molecular consequence: missense variant.
Genome position (GRCh38, 1-based): chr13:32,398,459, G>A. VCF-style: chr13-32398459-G-A. GRCh37 (hg19) VCF-style: chr13-32972596-G-A.
Other names: short protein forms E3316K.
Identifiers: ClinVar variation 998342 (VCV000998342.3), dbSNP rs758051959, ClinGen allele CA387767277.
Genomic context (GRCh38, chr13:32,398,459, plus strand): 5'-AAGGCATTTCAGCCACCAAGGAGTTGTGGCACCAAATACGAAACACCCATAAAGAAAAAA[G>A]AACTGAATTCTCCTCAGATGACTCCATTTAAAAAATTCAATGAAATTTCTCTTTTGGAAA-3'
Protein context (NP_000050.3, residues 3306-3326): TKYETPIKKK[Glu3316Lys]LNSPQMTPFK